The following is an entry in ClinVar:

NM_001165963.4(SCN1A):c.1700G>A (p.Arg567Lys)

Gene: SCN1A (sodium voltage-gated channel alpha subunit 1; minus strand). Cytogenetic location: 2q24.3.
Variant type: single nucleotide variant.
Coding change: c.1700G>A on transcript NM_001165963.4 (MANE Select); coding-DNA position 1700, G replaced by A.
Protein change: p.Arg567Lys; replaces arginine 567 with lysine.
Molecular consequence: missense variant. On other transcripts: 5 prime UTR variant (1), non-coding transcript variant (1).
Genome position (GRCh38, 1-based): chr2:166,044,012, C>T on the plus strand (G>A on the coding strand, the complement: SCN1A is on the minus strand). VCF-style: chr2-166044012-C-T. GRCh37 (hg19) VCF-style: chr2-166900522-C-T.
Other names: c.1700G>A, p.Arg567Lys (NM_001165964.3, NM_001202435.3, NM_001353948.2 and 7 more transcripts); c.1697G>A, p.Arg566Lys (NM_001353954.2, NM_001353955.2, NM_001353960.2); c.-726G>A (NM_001353961.2); short protein forms R567K, R566K.
Identifiers: ClinVar variation 583290 (VCV000583290.10), dbSNP rs1176739172, ClinGen allele CA349068020.

ClinVar aggregate classification (germline): Uncertain significance (1 of 4 stars; one submission).

Conditions:
Early-infantile DEE. Also called: Early infantile epileptic encephalopathy with suppression bursts; Early infantile epileptic encephalopathy; Ohtahara syndrome. Identifiers: Orphanet 1934, MedGen C0393706, MONDO:0800491.

Allele frequency attached by ClinVar (database versions not stated): gnomAD exomes below 0.00001.
gnomAD v4.1: 1 of 1,614,134 alleles (0.000062%); highest among the groups gnomAD compares: Non-Finnish European, 0.000085%; no homozygotes.

Submission:

Labcorp Genetics (formerly Invitae), Labcorp
Classification: Uncertain significance for Early-infantile DEE. Last evaluated: 2022-05-03. Review status: criteria provided, single submitter. Criteria: Invitae Variant Classification Sherloc (09022015). Collection method: clinical testing. Allele origin: germline.
Comment: In summary, the available evidence is currently insufficient to determine the role of this variant in disease. Therefore, it has been classified as a Variant of Uncertain Significance. Algorithms developed to predict the effect of sequence changes on RNA splicing suggest that this variant may create or strengthen a splice site. Advanced modeling of protein sequence and biophysical properties (such as structural, functional, and spatial information, amino acid conservation, physicochemical variation, residue mobility, and thermodynamic stability) performed at Invitae indicates that this missense variant is expected to disrupt SCN1A protein function. ClinVar contains an entry for this variant (Variation ID: 583290). This variant has not been reported in the literature in individuals affected with SCN1A-related conditions. This variant is present in population databases (no rsID available, gnomAD 0.0009%). This sequence change replaces arginine, which is basic and polar, with lysine, which is basic and polar, at codon 567 of the SCN1A protein (p.Arg567Lys).